The following is an entry in ClinVar:

GRCh38/hg38 22q11.21(chr22:20732418-21091671)x3

Genes: AIFM3 (AIF family member 3; plus strand), CRKL (CRK like proto-oncogene, adaptor protein; plus strand), LINC01637 (long independently transcribed non-coding RNA 1637; plus strand), LRRC74B (leucine rich repeat containing 74B; plus strand), LRRC74BNL (LRRC74B N-terminal like; minus strand) and 32 more. Cytogenetic location: 22q11.21.
Variant type: copy number gain.
Change: copy number 3 (three copies instead of two) of chr22:20,732,418-21,091,671 (359.3 kb, GRCh38 coordinates, 1-based), cytogenetic band 22q11.21.
Identifiers: ClinVar variation 58216 (VCV000058216.1).

ClinVar aggregate classification (germline): Pathogenic (1 of 4 stars; one submission).

Submission:

ISCA site 14
Classification: Pathogenic. Last evaluated: 2011-08-12. Review status: criteria provided, single submitter. Criteria: Kaminsky et al. (Genet Med. 2011). Collection method: clinical testing. Allele origin: paternal. Affected: yes. Observed: 1 variant allele.
Comment: Copy number variation identified through the course of routine clinical cytogenomic testing in postnatal populations. Clinical assertions have been curated as described in Kaminsky et al. 2011.